The following is an entry in ClinVar:

ClinVar aggregate classification (germline): Conflicting classifications of pathogenicity. Review status: criteria provided, conflicting classifications (1 of 4 stars). 4 submissions from 4 submitters: Uncertain significance (1); Likely benign (3). Last evaluated 2026-02-03.

Conditions:
COG5-congenital disorder of glycosylation. Also called: CONGENITAL DISORDER OF GLYCOSYLATION, TYPE IIi; CDG IIi; COG5-CDG. Identifiers: Orphanet 263487, MedGen C3150876, MONDO:0013325, OMIM 613612.

Allele frequency attached by ClinVar (database versions not stated): gnomAD 0.00038 and 0.00040; gnomAD exomes 0.00041; TOPMed 0.00042; ExAC 0.00053; ESP Exome Variant Server 0.00054; 1000 Genomes Project 0.00060; 1000 Genomes Project 30x 0.00062.
gnomAD v4.1: 793 of 1,526,826 alleles (0.052%); highest among the groups gnomAD compares: Non-Finnish European, 0.067%; no homozygotes.

Submissions (4):

Labcorp Genetics (formerly Invitae), Labcorp
Classification: Likely benign for COG5-congenital disorder of glycosylation. Last evaluated: 2026-02-03. Review status: criteria provided, single submitter. Criteria: Invitae Variant Classification Sherloc (09022015). Collection method: clinical testing. Allele origin: germline.

Blueprint Genetics
Classification: Likely benign. Last evaluated: 2024-11-07. Review status: criteria provided, single submitter. Criteria: ACMG Guidelines, 2015. Collection method: clinical testing. Allele origin: germline.

Illumina Laboratory Services, Illumina
Classification: Uncertain significance for COG5-congenital disorder of glycosylation. Last evaluated: 2018-01-13. Review status: criteria provided, single submitter. Criteria: ICSL Variant Classification Criteria 13 December 2019. Collection method: clinical testing. Allele origin: germline.

GeneDx
Classification: Likely benign. Last evaluated: 2016-02-12. Review status: criteria provided, single submitter. Criteria: GeneDx Variant Classification (06012015). Collection method: clinical testing. Allele origin: germline. Affected: yes.
Comment: This variant is considered likely benign or benign based on one or more of the following criteria: it is a conservative change, it occurs at a poorly conserved position in the protein, it is predicted to be benign by multiple in silico algorithms, and/or has population frequency not consistent with disease.

NM_006348.5(COG5):c.1750-14T>G

Gene: COG5 (component of oligomeric golgi complex 5; minus strand). Cytogenetic location: 7q22.3.
Variant type: single nucleotide variant.
Coding change: c.1750-14T>G on transcript NM_006348.5 (MANE Select); 14 bases into the intron before coding-DNA position 1750, T replaced by G.
Molecular consequence: intron variant.
Genome position (GRCh38, 1-based): chr7:107,248,513, A>C on the plus strand (T>G on the coding strand, the complement: COG5 is on the minus strand). VCF-style: chr7-107248513-A-C. GRCh37 (hg19) VCF-style: chr7-106888958-A-C.
Other names: c.1036-14T>G (NM_001379516.1); c.1180-14T>G (NM_001379515.1); c.1588-14T>G (NM_001379511.1); c.1576-14T>G (NM_001379512.1); c.1687-14T>G (NM_181733.4); c.1750-14T>G (NM_001379514.1, NM_001379513.1, NM_001161520.2).
Identifiers: ClinVar variation 382480 (VCV000382480.13), dbSNP rs199592702, ClinGen allele CA4430796.